The following is an entry in ClinVar:

NM_005068.3(SIM1):c.1961C>T (p.Ala654Val)

Gene: SIM1 (SIM bHLH transcription factor 1; minus strand). Cytogenetic location: 6q16.3.
Variant type: single nucleotide variant.
Coding change: c.1961C>T on transcript NM_005068.3 (MANE Select); coding-DNA position 1961, C replaced by T.
Protein change: p.Ala654Val; replaces alanine 654 with valine.
Molecular consequence: missense variant.
Genome position (GRCh38, 1-based): chr6:100,390,701, G>A on the plus strand (C>T on the coding strand, the complement: SIM1 is on the minus strand). VCF-style: chr6-100390701-G-A. GRCh37 (hg19) VCF-style: chr6-100838577-G-A.
Other names: c.1961C>T, p.Ala654Val (NM_001374769.1); short protein forms A654V.
Identifiers: ClinVar variation 3349786 (VCV003349786.2).

ClinVar aggregate classification (germline): Uncertain significance (1 of 4 stars; one submission).

Conditions:
SIM1-related disorder. Also called: SIM1-related condition; SIM1-related disorders.

gnomAD v4.1: 6 of 1,614,032 alleles (0.00037%); highest among the groups gnomAD compares: African/African-American, 0.008%; no homozygotes.

Submission:

PreventionGenetics, part of Exact Sciences
Classification: Uncertain significance for SIM1-related condition. Last evaluated: 2025-06-19. Review status: criteria provided, single submitter. Criteria: ACMG Guidelines, 2015. Collection method: clinical testing. Allele origin: germline.
Comment: The SIM1 c.1961C>T variant is predicted to result in the amino acid substitution p.Ala654Val. To our knowledge, this variant has not been reported in the literature. This variant is reported in 0.023% of alleles in individuals of African descent in gnomAD. At this time, the clinical significance of this variant is uncertain due to the absence of conclusive functional and genetic evidence.